The following is an entry in ClinVar:

ClinVar aggregate classification (germline): Pathogenic (1 of 4 stars; one submission).

Submission:

Labcorp Genetics (formerly Invitae), Labcorp
Classification: Pathogenic. Last evaluated: 2023-11-25. Review status: criteria provided, single submitter. Criteria: Invitae Variant Classification Sherloc (09022015). Collection method: clinical testing. Allele origin: germline.
Comment: This sequence change creates a premature translational stop signal (p.Leu289Serfs*69) in the PLOD3 gene. It is expected to result in an absent or disrupted protein product. Loss-of-function variants in PLOD3 are known to be pathogenic (PMID: 30237576). This variant is not present in population databases (gnomAD no frequency). This variant has not been reported in the literature in individuals affected with PLOD3-related conditions. For these reasons, this variant has been classified as Pathogenic.

Literature cited by the submitters: PubMed 30237576.

NM_001084.5(PLOD3):c.865del (p.Leu289fs)

Gene: PLOD3 (procollagen-lysine,2-oxoglutarate 5-dioxygenase 3; minus strand). Cytogenetic location: 7q22.1.
Variant type: Deletion.
Coding change: c.865del on transcript NM_001084.5 (MANE Select); coding-DNA position 865, one base deleted (C; older notation c.865delC).
Protein change: p.Leu289fs; shifts the reading frame from leucine 289.
Molecular consequence: frameshift variant.
Genome position (GRCh38, 1-based): chr7:101,212,856, G deleted on the plus strand (C on the coding strand, the reverse complement: PLOD3 is on the minus strand). VCF-style (leftmost placement, unchanged base first): chr7-101212855-AG-A. GRCh37 (hg19) VCF-style: chr7-100856136-AG-A.
Other names: short protein forms L289fs.
Identifiers: ClinVar variation 2693153 (VCV002693153.3), dbSNP rs2535171366, ClinGen allele CA2697557477.